The following is an entry in ClinVar:

NM_018896.5(CACNA1G):c.3052A>T (p.Lys1018Ter)

Gene: CACNA1G (calcium voltage-gated channel subunit alpha1 G; plus strand). Cytogenetic location: 17q21.33.
Variant type: single nucleotide variant.
Coding change: c.3052A>T on transcript NM_018896.5 (MANE Select); coding-DNA position 3052, A replaced by T.
Protein change: p.Lys1018Ter; replaces lysine 1018 with a stop codon.
Molecular consequence: nonsense. On other transcripts: non-coding transcript variant (5).
Genome position (GRCh38, 1-based): chr17:50,596,634, A>T. VCF-style: chr17-50596634-A-T. GRCh37 (hg19) VCF-style: chr17-48673995-A-T.
Other names: c.3052A>T, p.Lys1018Ter (NM_001256324.2, NM_001256325.2, NM_001256326.2 and 16 more transcripts); c.2983A>T, p.Lys995Ter (NM_001256332.2, NM_198376.3, NM_198379.3 and 5 more transcripts); short protein forms K1018*, K995*.
Identifiers: ClinVar variation 3767433 (VCV003767433.1).

ClinVar aggregate classification (germline): Uncertain significance (1 of 4 stars; one submission).

Submission:

GeneDx
Classification: Uncertain significance. Last evaluated: 2024-09-05. Review status: criteria provided, single submitter. Criteria: GeneDx Variant Classification Process June 2021. Collection method: clinical testing. Allele origin: germline. Affected: yes.
Comment: Not observed at significant frequency in large population cohorts (gnomAD); Nonsense variant predicted to result in protein truncation or nonsense mediated decay in a gene or region of a gene for which loss of function is not a well-established mechanism of disease; Has not been previously published as pathogenic or benign to our knowledge